The following is an entry in ClinVar:

NM_001034850.3(RETREG1):c.340T>A (p.Trp114Arg)

Gene: RETREG1 (reticulophagy regulator 1; minus strand). Cytogenetic location: 5p15.1.
Variant type: single nucleotide variant.
Coding change: c.340T>A on transcript NM_001034850.3 (MANE Select); coding-DNA position 340, T replaced by A.
Protein change: p.Trp114Arg; replaces tryptophan 114 with arginine.
Molecular consequence: missense variant.
Genome position (GRCh38, 1-based): chr5:16,572,083, A>T on the plus strand (T>A on the coding strand, the complement: RETREG1 is on the minus strand). VCF-style: chr5-16572083-A-T. GRCh37 (hg19) VCF-style: chr5-16572192-A-T.
Other names: c.340T>A (NM_001034850.2); short protein forms W114R.
Identifiers: ClinVar variation 1388588 (VCV001388588.26), dbSNP rs367935796, ClinGen allele CA3210498.

ClinVar aggregate classification (germline): Uncertain significance. Review status: criteria provided, multiple submitters, no conflicts (2 of 4 stars). 3 submissions from 3 submitters: Uncertain significance (3). Last evaluated 2024-03-01.

Allele frequency attached by ClinVar (database versions not stated): gnomAD exomes below 0.00001; ExAC 0.00001; gnomAD 0.00001; TOPMed 0.00001; ESP Exome Variant Server 0.00008.
gnomAD v4.1: 18 of 1,613,030 alleles (0.0011%); highest among the groups gnomAD compares: Non-Finnish European, 0.0014%; no homozygotes.

Submissions (3):

CeGaT Center for Human Genetics Tuebingen
Classification: Uncertain significance. Last evaluated: 2024-03-01. Review status: criteria provided, single submitter. Criteria: CeGaT Center For Human Genetics Tuebingen Variant Classification Criteria Version 2. Collection method: clinical testing. Allele origin: germline. Affected: yes. Observed: 1 variant allele.
Comment: RETREG1: PM2

GeneDx
Classification: Uncertain significance. Last evaluated: 2022-12-29. Review status: criteria provided, single submitter. Criteria: GeneDx Variant Classification Process June 2021. Collection method: clinical testing. Allele origin: germline. Affected: yes.
Comment: Not observed at significant frequency in large population cohorts (gnomAD); In silico analysis supports that this missense variant does not alter protein structure/function; Has not been previously published as pathogenic or benign to our knowledge

Labcorp Genetics (formerly Invitae), Labcorp
Classification: Uncertain significance. Last evaluated: 2022-07-19. Review status: criteria provided, single submitter. Criteria: Invitae Variant Classification Sherloc (09022015). Collection method: clinical testing. Allele origin: germline.
Comment: This sequence change replaces tryptophan, which is neutral and slightly polar, with arginine, which is basic and polar, at codon 114 of the RETREG1 protein (p.Trp114Arg). This variant is present in population databases (rs367935796, gnomAD 0.0009%). This variant has not been reported in the literature in individuals affected with RETREG1-related conditions. ClinVar contains an entry for this variant (Variation ID: 1388588). Algorithms developed to predict the effect of missense changes on protein structure and function are either unavailable or do not agree on the potential impact of this missense change (SIFT: "Tolerated"; PolyPhen-2: "Probably Damaging"; Align-GVGD: "Class C0"). Algorithms developed to predict the effect of sequence changes on RNA splicing suggest that this variant may create or strengthen a splice site. In summary, the available evidence is currently insufficient to determine the role of this variant in disease. Therefore, it has been classified as a Variant of Uncertain Significance.